The following is an entry in ClinVar:

ClinVar aggregate classification (germline): Uncertain significance (1 of 4 stars; one submission).

Conditions:
Inborn genetic diseases. Identifiers: MedGen C0950123, MeSH D030342.

Submission:

Ambry Genetics
Classification: Uncertain significance for Inborn genetic diseases. Last evaluated: 2026-03-14. Review status: criteria provided, single submitter. Criteria: Ambry Variant Classification Scheme 2023. Collection method: clinical testing. Allele origin: germline.
Comment: The p.K522E variant (also known as c.1564A>G), located in coding exon 10 of the ERCC6L2 gene, results from an A to G substitution at nucleotide position 1564. The lysine at codon 522 is replaced by glutamic acid, an amino acid with similar properties. This amino acid position is conserved. In addition, this alteration is predicted to be tolerated by in silico analysis. Based on the available evidence, the clinical significance of this variant remains unclear.

NM_020207.7(ERCC6L2):c.1564A>G (p.Lys522Glu)

Gene: ERCC6L2 (ERCC excision repair 6 like 2; plus strand). Cytogenetic location: 9q22.32.
Variant type: single nucleotide variant.
Coding change: c.1564A>G on transcript NM_020207.7 (MANE Select); coding-DNA position 1564, A replaced by G.
Protein change: p.Lys522Glu; replaces lysine 522 with glutamic acid.
Molecular consequence: missense variant. On other transcripts: non-coding transcript variant (1).
Genome position (GRCh38, 1-based): chr9:95,928,109, A>G. VCF-style: chr9-95928109-A-G. GRCh37 (hg19) VCF-style: chr9-98690391-A-G.
Other names: c.1564A>G, p.Lys522Glu (NM_001010895.4, NM_001375291.1, NM_001375292.1 and 2 more transcripts); short protein forms K522E.
Identifiers: ClinVar variation 4827695 (VCV004827695.1).